The following is an entry in ClinVar:

NM_001256789.3(CACNA1F):c.801C>A (p.Cys267Ter)

Gene: CACNA1F (calcium voltage-gated channel subunit alpha1 F; minus strand). Cytogenetic location: Xp11.23.
Variant type: single nucleotide variant.
Coding change: c.801C>A on transcript NM_001256789.3 (MANE Select); coding-DNA position 801, C replaced by A.
Protein change: p.Cys267Ter; replaces cysteine 267 with a stop codon.
Molecular consequence: nonsense.
Genome position (GRCh38, 1-based): chrX:49,230,236, G>T on the plus strand (C>A on the coding strand, the complement: CACNA1F is on the minus strand). VCF-style: chrX-49230236-G-T. GRCh37 (hg19) VCF-style: chrX-49086698-G-T.
Other names: c.606C>A, p.Cys202Ter (NM_001256790.3); c.801C>A, p.Cys267Ter (NM_005183.4); short protein forms C202*, C267*.
Identifiers: ClinVar variation 4855152 (VCV004855152.1).

ClinVar aggregate classification (germline): Pathogenic (1 of 4 stars; one submission).

Conditions:
CACNA1F-related disorder. Also called: CACNA1F-related condition.

Submission:

3billion
Classification: Pathogenic for CACNA1F-related disorder. Last evaluated: 2026-01-15. Review status: criteria provided, single submitter. Criteria: ACMG Guidelines, 2015. Collection method: clinical testing. Allele origin: germline. Affected: yes.
Comment: The variant is not observed in the gnomAD v4.1.0 dataset. Predicted Consequence/Location: Stop-gained (nonsense): predicted to result in a loss or disruption of normal protein function through nonsense-mediated decay (NMD) or protein truncation. Multiple pathogenic variants are reported downstream of the variant. The variant has been reported to be associated with CACNA1F-related disorder (PMID: 28341476). Therefore, this variant is classified as Pathogenic according to the recommendation of ACMG/AMP guideline.

Literature cited by the submitters: PubMed 28341476.